The following is an entry in ClinVar:

NM_006129.5(BMP1):c.178G>A (p.Glu60Lys)

Gene: BMP1 (bone morphogenetic protein 1; plus strand). Cytogenetic location: 8p21.3.
Variant type: single nucleotide variant.
Coding change: c.178G>A on transcript NM_006129.5 (MANE Select); coding-DNA position 178, G replaced by A.
Protein change: p.Glu60Lys; replaces glutamic acid 60 with lysine.
Molecular consequence: missense variant. On other transcripts: non-coding transcript variant (2).
Genome position (GRCh38, 1-based): chr8:22,173,631, G>A. VCF-style: chr8-22173631-G-A. GRCh37 (hg19) VCF-style: chr8-22031144-G-A.
Other names: c.178G>A, p.Glu60Lys (NM_001199.4); short protein forms E60K.
Identifiers: ClinVar variation 362576 (VCV000362576.10), dbSNP rs886062818, ClinGen allele CA10625173.

ClinVar aggregate classification (germline): Uncertain significance. Review status: criteria provided, multiple submitters, no conflicts (2 of 4 stars). 4 submissions from 4 submitters: Uncertain significance (4). Last evaluated 2023-06-20.

Conditions:
Osteogenesis imperfecta type 13. Also called: OI, TYPE XIII; Osteogenesis imperfecta, type xiii. Identifiers: Orphanet 666, MedGen C3553887, MONDO:0013924, OMIM 614856.

Allele frequency attached by ClinVar (database versions not stated): gnomAD exomes 0.00001; TOPMed 0.00002; gnomAD 0.00004.

Submissions (4):

Blueprint Genetics
Classification: Uncertain significance. Last evaluated: 2023-06-20. Review status: criteria provided, single submitter. Criteria: ACMG Guidelines, 2015. Collection method: clinical testing. Allele origin: germline.

Labcorp Genetics (formerly Invitae), Labcorp
Classification: Uncertain significance. Last evaluated: 2022-03-04. Review status: criteria provided, single submitter. Criteria: Invitae Variant Classification Sherloc (09022015). Collection method: clinical testing. Allele origin: germline.
Comment: This sequence change replaces glutamic acid, which is acidic and polar, with lysine, which is basic and polar, at codon 60 of the BMP1 protein (p.Glu60Lys). This variant is present in population databases (no rsID available, gnomAD 0.1%). This variant has not been reported in the literature in individuals affected with BMP1-related conditions. ClinVar contains an entry for this variant (Variation ID: 362576). Algorithms developed to predict the effect of missense changes on protein structure and function are either unavailable or do not agree on the potential impact of this missense change (SIFT: "Deleterious"; PolyPhen-2: "Benign"; Align-GVGD: "Class C55"). In summary, the available evidence is currently insufficient to determine the role of this variant in disease. Therefore, it has been classified as a Variant of Uncertain Significance.

Fulgent Genetics
Classification: Uncertain significance for Osteogenesis imperfecta type 13. Last evaluated: 2022-02-24. Review status: criteria provided, single submitter. Criteria: ACMG Guidelines, 2015. Collection method: clinical testing. Allele origin: unknown.

Illumina Laboratory Services, Illumina
Classification: Uncertain significance for Osteogenesis imperfecta type 13. Last evaluated: 2018-01-12. Review status: criteria provided, single submitter. Criteria: ICSL Variant Classification Criteria 13 December 2019. Collection method: clinical testing. Allele origin: germline.